The following is an entry in ClinVar:

NM_000154.2(GALK1):c.945-36_992del

Gene: GALK1 (galactokinase 1; minus strand). Cytogenetic location: 17q25.1.
Variant type: Deletion.
Coding change: c.945-36_992del on transcript NM_000154.2 (MANE Select); 36 bases into the intron before coding-DNA position 945 through coding-DNA position 992, 84 bases deleted.
Molecular consequence: splice acceptor variant.
Genome position (GRCh38, 1-based): chr17:75,758,325-75,758,408, 84 bases deleted. GRCh37 (hg19): chr17:73,754,410-73,754,493.
Other names: c.945-36_992del (NM_001381985.1).
Identifiers: ClinVar variation 1499187 (VCV001499187.6), dbSNP rs2143586633, ClinGen allele CA2573154904.

ClinVar aggregate classification (germline): Likely pathogenic (1 of 4 stars; one submission).

Conditions:
Deficiency of galactokinase. Also called: Galactokinase deficiency with cataracts; GALACTOSEMIA II. Identifiers: Orphanet 352, Orphanet 79237, MedGen C0268155, MONDO:0009255, OMIM 230200.

Submission:

Labcorp Genetics (formerly Invitae), Labcorp
Classification: Likely pathogenic for Deficiency of galactokinase. Last evaluated: 2020-12-23. Review status: criteria provided, single submitter. Criteria: Invitae Variant Classification Sherloc (09022015). Collection method: clinical testing. Allele origin: germline.
Comment: In summary, the currently available evidence indicates that the variant is pathogenic, but additional data are needed to prove that conclusively. Therefore, this variant has been classified as Likely Pathogenic. Algorithms developed to predict the effect of sequence changes on RNA splicing suggest that this variant may disrupt the consensus splice site, but this prediction has not been confirmed by published transcriptional studies. This variant has not been reported in the literature in individuals with GALK1-related conditions. This variant is not present in population databases (ExAC no frequency). This variant results in the deletion of part of exon 7 (c.945-36_992del) of the GALK1 gene. It is expected to disrupt RNA splicing. Variants that disrupt the donor or acceptor splice site typically lead to a loss of protein function (PMID: 16199547), and loss-of-function variants in GALK1 are known to be pathogenic (PMID: 7670469, 10790206).

Literature cited by the submitters: PubMed 16199547; PubMed 7670469; PubMed 10790206.